The following is an entry in ClinVar:

NM_001204.7(BMPR2):c.1246A>G (p.Ile416Val)

Gene: BMPR2 (bone morphogenetic protein receptor type 2; plus strand). Cytogenetic location: 2q33.2.
Variant type: single nucleotide variant.
Coding change: c.1246A>G on transcript NM_001204.7 (MANE Select); coding-DNA position 1246, A replaced by G.
Protein change: p.Ile416Val; replaces isoleucine 416 with valine.
Molecular consequence: missense variant.
Genome position (GRCh38, 1-based): chr2:202,532,702, A>G. VCF-style: chr2-202532702-A-G. GRCh37 (hg19) VCF-style: chr2-203397425-A-G.
Other names: short protein forms I416V.
Identifiers: ClinVar variation 4597211 (VCV004597211.1).

ClinVar aggregate classification (germline): Uncertain significance (1 of 4 stars; one submission).

Conditions:
Inborn genetic diseases. Identifiers: MedGen C0950123, MeSH D030342.

Submission:

Ambry Genetics
Classification: Uncertain significance for Inborn genetic diseases. Last evaluated: 2025-10-06. Review status: criteria provided, single submitter. Criteria: Ambry Variant Classification Scheme 2023. Collection method: clinical testing. Allele origin: germline.
Comment: The p.I416V variant (also known as c.1246A>G), located in coding exon 9 of the BMPR2 gene, results from an A to G substitution at nucleotide position 1246. The isoleucine at codon 416 is replaced by valine, an amino acid with highly similar properties. This amino acid position is conserved. In addition, this alteration is predicted to be tolerated by in silico analysis. Based on the available evidence, the clinical significance of this variant remains unclear.